The following is an entry in ClinVar:

NM_033380.3(COL4A5):c.779A>C (p.Gln260Pro)

Gene: COL4A5 (collagen type IV alpha 5 chain; plus strand). Cytogenetic location: Xq22.3.
Variant type: single nucleotide variant.
Coding change: c.779A>C on transcript NM_033380.3 (MANE Select); coding-DNA position 779, A replaced by C.
Protein change: p.Gln260Pro; replaces glutamine 260 with proline.
Molecular consequence: missense variant.
Genome position (GRCh38, 1-based): chrX:108,578,382, A>C. VCF-style: chrX-108578382-A-C. GRCh37 (hg19) VCF-style: chrX-107821612-A-C.
Other names: c.779A>C, p.Gln260Pro (NM_000495.5); short protein forms Q260P.
Identifiers: ClinVar variation 2031514 (VCV002031514.1), dbSNP rs372889859, ClinGen allele CA413924635.

ClinVar aggregate classification (germline): Uncertain significance (1 of 4 stars; one submission).

Submission:

Labcorp Genetics (formerly Invitae), Labcorp
Classification: Uncertain significance. Last evaluated: 2021-12-03. Review status: criteria provided, single submitter. Criteria: Invitae Variant Classification Sherloc (09022015). Collection method: clinical testing. Allele origin: germline.
Comment: This sequence change replaces glutamine, which is neutral and polar, with proline, which is neutral and non-polar, at codon 260 of the COL4A5 protein (p.Gln260Pro). This variant is not present in population databases (gnomAD no frequency). This variant has not been reported in the literature in individuals affected with COL4A5-related conditions. Algorithms developed to predict the effect of missense changes on protein structure and function are either unavailable or do not agree on the potential impact of this missense change (SIFT: "Deleterious"; PolyPhen-2: "Not Available"; Align-GVGD: "Class C0"). In summary, the available evidence is currently insufficient to determine the role of this variant in disease. Therefore, it has been classified as a Variant of Uncertain Significance.